The following is an entry in ClinVar:

NM_138459.5(NUS1):c.29G>A (p.Arg10Gln)

Gene: NUS1 (NUS1 dehydrodolichyl diphosphate synthase subunit; plus strand). Cytogenetic location: 6q22.1.
Variant type: single nucleotide variant.
Coding change: c.29G>A on transcript NM_138459.5 (MANE Select); coding-DNA position 29, G replaced by A.
Protein change: p.Arg10Gln; replaces arginine 10 with glutamine.
Molecular consequence: missense variant.
Genome position (GRCh38, 1-based): chr6:117,675,699, G>A. VCF-style: chr6-117675699-G-A. GRCh37 (hg19) VCF-style: chr6-117996862-G-A.
Other names: short protein forms R10Q.
Identifiers: ClinVar variation 1408172 (VCV001408172.6), dbSNP rs1369494529, ClinGen allele CA365535750.
Genomic context (GRCh38, chr6:117,675,699, plus strand): 5'-AGGGAGAGGGGGTGTCTGAGGGCCACAAGAGTATGACGGGGCTGTACGAGCTGGTGTGGC[G>A]GGTGCTGCACGCGCTGCTCTGTCTGCACCGCACGCTCACCTCCTGGCTCCGCGTTCGGTT-3'
Protein context (NP_612468.1, residues 1-20): MTGLYELVW[Arg10Gln]VLHALLCLHR

ClinVar aggregate classification (germline): Uncertain significance (1 of 4 stars; one submission).

Conditions:
Congenital disorder of glycosylation, type Iaa. Also called: Congenital disorder of glycosylation, type 1aa. Identifiers: MedGen C4310727, MONDO:0014904, OMIM 617082.

Allele frequency attached by ClinVar (database versions not stated): gnomAD 0.00001; TOPMed 0.00001.

Submission:

Labcorp Genetics (formerly Invitae), Labcorp
Classification: Uncertain significance for Congenital disorder of glycosylation, type Iaa. Last evaluated: 2022-08-16. Review status: criteria provided, single submitter. Criteria: Invitae Variant Classification Sherloc (09022015). Collection method: clinical testing. Allele origin: germline.
Comment: Algorithms developed to predict the effect of missense changes on protein structure and function are either unavailable or do not agree on the potential impact of this missense change (SIFT: "Deleterious"; PolyPhen-2: "Benign"; Align-GVGD: "Class C0"). Algorithms developed to predict the effect of sequence changes on RNA splicing suggest that this variant may create or strengthen a splice site. In summary, the available evidence is currently insufficient to determine the role of this variant in disease. Therefore, it has been classified as a Variant of Uncertain Significance. This sequence change replaces arginine, which is basic and polar, with glutamine, which is neutral and polar, at codon 10 of the NUS1 protein (p.Arg10Gln). This variant is present in population databases (no rsID available, gnomAD 0.01%). This variant has not been reported in the literature in individuals affected with NUS1-related conditions. ClinVar contains an entry for this variant (Variation ID: 1408172).